The following is an entry in ClinVar:

NM_005475.3(SH2B3):c.629C>T (p.Ser210Phe)

Gene: SH2B3 (SH2B adaptor protein 3; plus strand). Cytogenetic location: 12q24.12.
Variant type: single nucleotide variant.
Coding change: c.629C>T on transcript NM_005475.3 (MANE Select); coding-DNA position 629, C replaced by T.
Protein change: p.Ser210Phe; replaces serine 210 with phenylalanine.
Molecular consequence: missense variant.
Genome position (GRCh38, 1-based): chr12:111,418,774, C>T. VCF-style: chr12-111418774-C-T. GRCh37 (hg19) VCF-style: chr12-111856578-C-T.
Other names: short protein forms S210F.
Identifiers: ClinVar variation 3440856 (VCV003440856.1).
Genomic context (GRCh38, chr12:111,418,774, plus strand): 5'-AGCCGCCACCCGAGGCGCTGAAGGAGGCGGTGCTGCGCTACAGCCTGGCCGACGAGGCCT[C>T]CATGGACAGCGGGGCACGCTGGCAGCGCGGGAGGCTGGCGCTGCGCCGGGCCCCGGGCCC-3'
Protein context (NP_005466.1, residues 200-220): VLRYSLADEA[Ser210Phe]MDSGARWQRG

ClinVar aggregate classification (germline): Uncertain significance (1 of 4 stars; one submission).

Conditions:
Inborn genetic diseases. Identifiers: MedGen C0950123, MeSH D030342.

Submission:

Ambry Genetics
Classification: Uncertain significance for Inborn genetic diseases. Last evaluated: 2024-12-09. Review status: criteria provided, single submitter. Criteria: Ambry Variant Classification Scheme 2023. Collection method: clinical testing. Allele origin: germline.
Comment: The p.S210F variant (also known as c.629C>T), located in coding exon 1 of the SH2B3 gene, results from a C to T substitution at nucleotide position 629. The serine at codon 210 is replaced by phenylalanine, an amino acid with highly dissimilar properties. This amino acid position is conserved. In addition, this alteration is predicted to be tolerated by in silico analysis. Based on the available evidence, the clinical significance of this variant remains unclear.